The following is an entry in ClinVar:

ClinVar aggregate classification (germline): Likely benign (0 of 4 stars; one submission).

Conditions:
FGFR4-related disorder. Also called: FGFR4-related condition.

Allele frequency attached by ClinVar (database versions not stated): ExAC 0.00022; ESP Exome Variant Server 0.00031; gnomAD 0.00054; TOPMed 0.00065.
gnomAD v4.1: 258 of 1,592,078 alleles (0.016%); highest among the groups gnomAD compares: African/African-American, 0.2%; no homozygotes.

Submission:

PreventionGenetics, part of Exact Sciences
Classification: Likely benign for FGFR4-related condition. Last evaluated: 2019-02-21. Review status: no assertion criteria provided. Collection method: clinical testing. Allele origin: germline.
Comment: This variant is classified as likely benign based on ACMG/AMP sequence variant interpretation guidelines (Richards et al. 2015 PMID: 25741868, with internal and published modifications).

NM_213647.3(FGFR4):c.891C>T (p.Asp297=)

Gene: FGFR4 (fibroblast growth factor receptor 4; plus strand). Cytogenetic location: 5q35.2.
Variant type: single nucleotide variant.
Coding change: c.891C>T on transcript NM_213647.3 (MANE Select); coding-DNA position 891, C replaced by T.
Protein change: p.Asp297=; no amino-acid change (aspartic acid 297 retained).
Molecular consequence: synonymous variant.
Genome position (GRCh38, 1-based): chr5:177,092,484, C>T. VCF-style: chr5-177092484-C-T. GRCh37 (hg19) VCF-style: chr5-176519485-C-T.
Other names: c.891C>T, p.Asp297= (NM_001291980.2, NM_001354984.2, NM_002011.5 and 1 more transcripts).
Identifiers: ClinVar variation 3046219 (VCV003046219.2), dbSNP rs138464768, ClinGen allele CA3576162.